The following is an entry in ClinVar:

NM_001184.4(ATR):c.3314A>T (p.Asp1105Val)

Gene: ATR (ATR checkpoint kinase; minus strand). Cytogenetic location: 3q23.
Variant type: single nucleotide variant.
Coding change: c.3314A>T on transcript NM_001184.4 (MANE Select); coding-DNA position 3314, A replaced by T.
Protein change: p.Asp1105Val; replaces aspartic acid 1105 with valine.
Molecular consequence: missense variant.
Genome position (GRCh38, 1-based): chr3:142,547,768, T>A on the plus strand (A>T on the coding strand, the complement: ATR is on the minus strand). VCF-style: chr3-142547768-T-A. GRCh37 (hg19) VCF-style: chr3-142266610-T-A.
Other names: c.3122A>T, p.Asp1041Val (NM_001354579.2); c.3314A>T (NM_001184.3); short protein forms D1105V, D1041V.
Identifiers: ClinVar variation 2079986 (VCV002079986.3), dbSNP rs1414653416, ClinGen allele CA354810451.

ClinVar aggregate classification (germline): Uncertain significance. Review status: criteria provided, multiple submitters, no conflicts (2 of 4 stars). 2 submissions from 2 submitters: Uncertain significance (2). Last evaluated 2025-04-17.

Conditions:
Inborn genetic diseases. Identifiers: MedGen C0950123, MeSH D030342.

Allele frequency attached by ClinVar (database versions not stated): gnomAD exomes below 0.00001.
gnomAD v4.1: 1 of 1,613,950 alleles (0.000062%); highest among the groups gnomAD compares: Non-Finnish European, 0.000085%; no homozygotes.

Submissions (2):

Ambry Genetics
Classification: Uncertain significance for Inborn genetic diseases. Last evaluated: 2025-04-17. Review status: criteria provided, single submitter. Criteria: Ambry Variant Classification Scheme 2023. Collection method: clinical testing. Allele origin: germline.

Labcorp Genetics (formerly Invitae), Labcorp
Classification: Uncertain significance. Last evaluated: 2022-04-06. Review status: criteria provided, single submitter. Criteria: Invitae Variant Classification Sherloc (09022015). Collection method: clinical testing. Allele origin: germline.
Comment: This sequence change replaces aspartic acid, which is acidic and polar, with valine, which is neutral and non-polar, at codon 1105 of the ATR protein (p.Asp1105Val). This variant is present in population databases (no rsID available, gnomAD 0.0009%). This variant has not been reported in the literature in individuals affected with ATR-related conditions. Algorithms developed to predict the effect of missense changes on protein structure and function are either unavailable or do not agree on the potential impact of this missense change (SIFT: "Deleterious"; PolyPhen-2: "Probably Damaging"; Align-GVGD: "Class C0"). In summary, the available evidence is currently insufficient to determine the role of this variant in disease. Therefore, it has been classified as a Variant of Uncertain Significance.